The following is an entry in ClinVar:

ClinVar aggregate classification (germline): Uncertain significance. Review status: criteria provided, multiple submitters, no conflicts (2 of 4 stars). 2 submissions from 2 submitters: Uncertain significance (2). Last evaluated 2024-02-05.

Allele frequency attached by ClinVar (database versions not stated): gnomAD exomes below 0.00001 and 0.00001; ExAC 0.00002; gnomAD 0.00006 and 0.00007; TOPMed 0.00008.
gnomAD v4.1: 10 of 1,614,048 alleles (0.00062%); highest among the groups gnomAD compares: African/African-American, 0.013%; no homozygotes.

Submissions (2):

Ambry Genetics
Classification: Uncertain significance. Last evaluated: 2024-02-05. Review status: criteria provided, single submitter. Criteria: Ambry Variant Classification Scheme 2023. Collection method: clinical testing. Allele origin: germline.

Labcorp Genetics (formerly Invitae), Labcorp
Classification: Uncertain significance. Last evaluated: 2022-02-04. Review status: criteria provided, single submitter. Criteria: Invitae Variant Classification Sherloc (09022015). Collection method: clinical testing. Allele origin: germline.
Comment: This variant has not been reported in the literature in individuals affected with CEP250-related conditions. ClinVar contains an entry for this variant (Variation ID: 1042994). Algorithms developed to predict the effect of missense changes on protein structure and function are either unavailable or do not agree on the potential impact of this missense change (SIFT: "Not Available"; PolyPhen-2: "Probably Damaging"; Align-GVGD: "Not Available"). In summary, the available evidence is currently insufficient to determine the role of this variant in disease. Therefore, it has been classified as a Variant of Uncertain Significance. The frequency data for this variant in the population databases is considered unreliable, as metrics indicate poor data quality at this position in the gnomAD database. This sequence change replaces glutamic acid, which is acidic and polar, with lysine, which is basic and polar, at codon 266 of the CEP250 protein (p.Glu266Lys).

NM_007186.6(CEP250):c.796G>A (p.Glu266Lys)

Gene: CEP250 (centrosomal protein 250; plus strand). Cytogenetic location: 20q11.22.
Variant type: single nucleotide variant.
Coding change: c.796G>A on transcript NM_007186.6 (MANE Select); coding-DNA position 796, G replaced by A.
Protein change: p.Glu266Lys; replaces glutamic acid 266 with lysine.
Molecular consequence: missense variant. On other transcripts: 5 prime UTR variant (1).
Genome position (GRCh38, 1-based): chr20:35,467,500, G>A. VCF-style: chr20-35467500-G-A. GRCh37 (hg19) VCF-style: chr20-34055325-G-A.
Other names: c.-1104G>A (NM_001318219.1); c.796G>A (NM_007186.3); short protein forms E266K.
Identifiers: ClinVar variation 1042994 (VCV001042994.9), dbSNP rs374878358, ClinGen allele CA9832706.
Genomic context (GRCh38, chr20:35,467,500, plus strand): 5'-CTGCTGCTGCTACTAGCCAAGACCCAGGAGCTGGAGAAGGAAGCCCATGAAAGGAGCCAG[G>A]AGTTAATACAGCTGAAGAGTCAAGGGGATCTGGAGAAGGCTGAACTTCAGGACCGGTGAG-3'
Protein context (NP_009117.2, residues 256-276): LEKEAHERSQ[Glu266Lys]LIQLKSQGDL